The following is an entry in ClinVar:

ClinVar aggregate classification (germline): Uncertain significance (1 of 4 stars; one submission).

Conditions:
Inborn genetic diseases. Identifiers: MedGen C0950123, MeSH D030342.

gnomAD v4.1: 4 of 1,613,826 alleles (0.00025%); highest among the groups gnomAD compares: East Asian, 0.0067%; no homozygotes.

Submission:

Ambry Genetics
Classification: Uncertain significance for Inborn genetic diseases. Last evaluated: 2023-01-01. Review status: criteria provided, single submitter. Criteria: Ambry Variant Classification Scheme 2023. Collection method: clinical testing. Allele origin: germline.
Comment: The p.A126S variant (also known as c.376G>T), located in coding exon 4 of the MDH2 gene, results from a G to T substitution at nucleotide position 376. The alanine at codon 126 is replaced by serine, an amino acid with similar properties. This amino acid position is conserved. In addition, this alteration is predicted to be tolerated by in silico analysis. Since supporting evidence is limited at this time, the clinical significance of this alteration remains unclear.

NM_005918.4(MDH2):c.376G>T (p.Ala126Ser)

Gene: MDH2 (malate dehydrogenase 2; plus strand). Cytogenetic location: 7q11.23.
Variant type: single nucleotide variant.
Coding change: c.376G>T on transcript NM_005918.4 (MANE Select); coding-DNA position 376, G replaced by T.
Protein change: p.Ala126Ser; replaces alanine 126 with serine.
Molecular consequence: missense variant.
Genome position (GRCh38, 1-based): chr7:76,058,025, G>T. VCF-style: chr7-76058025-G-T. GRCh37 (hg19) VCF-style: chr7-75687343-G-T.
Other names: c.376G>T, p.Ala126Ser (NM_001282403.2); c.55G>T, p.Ala19Ser (NM_001282404.2); short protein forms A126S, A19S.
Identifiers: ClinVar variation 2496819 (VCV002496819.2), dbSNP rs371141951, ClinGen allele CA367764317.